The following is an entry in ClinVar:

NM_014714.4(IFT140):c.4234T>C (p.Ser1412Pro)

Gene: IFT140 (intraflagellar transport 140; minus strand). Cytogenetic location: 16p13.3.
Variant type: single nucleotide variant.
Coding change: c.4234T>C on transcript NM_014714.4 (MANE Select); coding-DNA position 4234, T replaced by C.
Protein change: p.Ser1412Pro; replaces serine 1412 with proline.
Molecular consequence: missense variant.
Genome position (GRCh38, 1-based): chr16:1,511,099, A>G on the plus strand (T>C on the coding strand, the complement: IFT140 is on the minus strand). VCF-style: chr16-1511099-A-G. GRCh37 (hg19) VCF-style: chr16-1561100-A-G.
Other names: short protein forms S1412P.
Identifiers: ClinVar variation 1312108 (VCV001312108.2), dbSNP rs2141089676, ClinGen allele CA394222487.

ClinVar aggregate classification (germline): Uncertain significance (1 of 4 stars; one submission).

Allele frequency attached by ClinVar (database versions not stated): gnomAD exomes below 0.00001.

Submission:

GeneDx
Classification: Uncertain significance. Last evaluated: 2020-02-17. Review status: criteria provided, single submitter. Criteria: GeneDx Variant Classification Process June 2021. Collection method: clinical testing. Allele origin: germline. Affected: yes.
Comment: Not observed in large population cohorts (Lek et al., 2016); In silico analysis supports that this missense variant does not alter protein structure/function; Has not been previously published as pathogenic or benign to our knowledge